The following is an entry in ClinVar:

NM_001164508.2(NEB):c.6198C>A (p.Tyr2066Ter)

Gene: NEB (nebulin; minus strand). Cytogenetic location: 2q23.3.
Variant type: single nucleotide variant.
Coding change: c.6198C>A on transcript NM_001164508.2 (MANE Select); coding-DNA position 6198, C replaced by A.
Protein change: p.Tyr2066Ter; replaces tyrosine 2066 with a stop codon.
Molecular consequence: nonsense.
Genome position (GRCh38, 1-based): chr2:151,656,450, G>T on the plus strand (C>A on the coding strand, the complement: NEB is on the minus strand). VCF-style: chr2-151656450-G-T. GRCh37 (hg19) VCF-style: chr2-152512964-G-T.
Other names: c.6198C>A, p.Tyr2066Ter (NM_001164507.2, NM_001271208.2, NM_004543.5); short protein forms Y2066*.
Identifiers: ClinVar variation 5012396 (VCV005012396.1).

ClinVar aggregate classification (germline): Pathogenic (1 of 4 stars; one submission).

Conditions:
Nemaline myopathy 2 (NEM2). Also called: Nemaline myopathy 2, autosomal recessive. Identifiers: MedGen C1850569, MONDO:0009725, OMIM 256030.

Submission:

Myriad Genetics, Inc.
Classification: Pathogenic for Nemaline myopathy 2. Last evaluated: 2023-10-15. Review status: criteria provided, single submitter. Criteria: Myriad Autosomal Dominant, Autosomal Recessive and X-Linked Classification Criteria (2023). Collection method: clinical testing. Allele origin: unknown.
Comment: NM_001271208.1(NEB):c.6198C>A(Y2066*) is expected to be pathogenic in the context of NEB-related nemaline myopathy. This variant is predicted to lead to an abnormal or absent protein product due to the creation of a premature termination codon in NEB, a gene where loss-of-function variants are known to be pathogenic. Please note: this variant was assessed in the context of healthy population screening.